The following is an entry in ClinVar:

NM_005751.5(AKAP9):c.1334T>C (p.Ile445Thr)

Gene: AKAP9 (A-kinase anchoring protein 9; plus strand). Cytogenetic location: 7q21.2.
Variant type: single nucleotide variant.
Coding change: c.1334T>C on transcript NM_005751.5 (MANE Select); coding-DNA position 1334, T replaced by C.
Protein change: p.Ile445Thr; replaces isoleucine 445 with threonine.
Molecular consequence: missense variant.
Genome position (GRCh38, 1-based): chr7:92,001,251, T>C. VCF-style: chr7-92001251-T-C. GRCh37 (hg19) VCF-style: chr7-91630565-T-C.
Other names: c.1334T>C, p.Ile445Thr (NM_147185.3); short protein forms I445T.
Identifiers: ClinVar variation 457089 (VCV000457089.29), dbSNP rs147302252, ClinGen allele CA4336001.
Genomic context (GRCh38, chr7:92,001,251, plus strand): 5'-AAACACAAAGAAAGTTAGAACAACTCCGGGCAGAGCTGGATGAGATGTATGGGCAGCAGA[T>C]AGTGCAAATGAAACAAGAATTAATAAGACAACACATGGCACAGATGGAGGAAATGAAAAC-3'
Protein context (NP_005742.4, residues 435-455): AELDEMYGQQ[Ile445Thr]VQMKQELIRQ

ClinVar aggregate classification (germline): Conflicting classifications of pathogenicity. Review status: criteria provided, conflicting classifications (1 of 4 stars). 6 submissions from 6 submitters: Uncertain significance (4); Benign (1); Likely benign (1). Last evaluated 2026-01-27.

Conditions:
Long QT syndrome (LQTS). Identifiers: MedGen C0023976, MeSH D008133, MONDO:0002442. Disease mechanism: loss of function. Inheritance: Various modes of inheritance.
Long QT syndrome 11 (LQT11). Identifiers: Orphanet 101016, Orphanet 768, MedGen C2678483, MONDO:0012738, OMIM 611820.
Cardiovascular phenotype. Identifiers: MedGen CN230736.

Allele frequency attached by ClinVar (database versions not stated): ExAC 0.00011; gnomAD 0.00011; TOPMed 0.00011; gnomAD exomes 0.00012 and 0.00023; 1000 Genomes Project 30x 0.00016; 1000 Genomes Project 0.00020; ESP Exome Variant Server 0.00023.
gnomAD v4.1: 345 of 1,613,958 alleles (0.021%); highest among the groups gnomAD compares: Non-Finnish European, 0.028%; no homozygotes.

Submissions (6):

Labcorp Genetics (formerly Invitae), Labcorp
Classification: Uncertain significance for Long QT syndrome. Last evaluated: 2026-01-27. Review status: criteria provided, single submitter. Criteria: Invitae Variant Classification Sherloc (09022015). Collection method: clinical testing. Allele origin: germline.
Comment: This sequence change replaces isoleucine, which is neutral and non-polar, with threonine, which is neutral and polar, at codon 445 of the AKAP9 protein (p.Ile445Thr). This variant is present in population databases (rs147302252, gnomAD 0.02%). This variant has not been reported in the literature in individuals affected with AKAP9-related conditions. ClinVar contains an entry for this variant (Variation ID: 457089). An algorithm developed to predict the effect of missense changes on protein structure and function (PolyPhen-2) suggests that this variant is likely to be disruptive. In summary, the available evidence is currently insufficient to determine the role of this variant in disease. Therefore, it has been classified as a Variant of Uncertain Significance.

CeGaT Center for Human Genetics Tuebingen
Classification: Uncertain significance. Last evaluated: 2025-08-01. Review status: criteria provided, single submitter. Criteria: CeGaT Center For Human Genetics Tuebingen Variant Classification Criteria Version 2. Collection method: clinical testing. Allele origin: germline. Affected: yes. Observed: 2 variant alleles.

Blueprint Genetics
Classification: Likely benign. Last evaluated: 2024-04-09. Review status: criteria provided, single submitter. Criteria: ACMG Guidelines, 2015. Collection method: clinical testing. Allele origin: germline.

Ambry Genetics
Classification: Benign for Cardiovascular phenotype. Last evaluated: 2023-11-20. Review status: criteria provided, single submitter. Criteria: Ambry Variant Classification Scheme 2023. Collection method: clinical testing. Allele origin: germline.

Fulgent Genetics
Classification: Uncertain significance for Long QT syndrome 11. Last evaluated: 2021-08-20. Review status: criteria provided, single submitter. Criteria: ACMG Guidelines, 2015. Collection method: clinical testing. Allele origin: unknown.

Mayo Clinic Laboratories, Mayo Clinic
Classification: Uncertain significance. Last evaluated: 2019-08-11. Review status: criteria provided, single submitter. Criteria: ACMG Guidelines, 2015. Collection method: clinical testing. Allele origin: germline. Observed: 1 variant allele.